The following is an entry in ClinVar:

ClinVar aggregate classification (germline): Uncertain significance (1 of 4 stars; one submission).

Allele frequency attached by ClinVar (database versions not stated): TOPMed 0.00001.

Submission:

Labcorp Genetics (formerly Invitae), Labcorp
Classification: Uncertain significance. Last evaluated: 2022-06-20. Review status: criteria provided, single submitter. Criteria: Invitae Variant Classification Sherloc (09022015). Collection method: clinical testing. Allele origin: germline.
Comment: In summary, the available evidence is currently insufficient to determine the role of this variant in disease. Therefore, it has been classified as a Variant of Uncertain Significance. Algorithms developed to predict the effect of missense changes on protein structure and function are either unavailable or do not agree on the potential impact of this missense change (SIFT: "Deleterious"; PolyPhen-2: "Probably Damaging"; Align-GVGD: "Class C0"). This variant has not been reported in the literature in individuals affected with POLR3A-related conditions. This variant is not present in population databases (gnomAD no frequency). This sequence change replaces isoleucine, which is neutral and non-polar, with methionine, which is neutral and non-polar, at codon 1348 of the POLR3A protein (p.Ile1348Met).

NM_007055.4(POLR3A):c.4044C>G (p.Ile1348Met)

Gene: POLR3A (RNA polymerase III subunit A; minus strand). Cytogenetic location: 10q22.3.
Variant type: single nucleotide variant.
Coding change: c.4044C>G on transcript NM_007055.4 (MANE Select); coding-DNA position 4044, C replaced by G.
Protein change: p.Ile1348Met; replaces isoleucine 1348 with methionine.
Molecular consequence: missense variant.
Genome position (GRCh38, 1-based): chr10:77,977,607, G>C on the plus strand (C>G on the coding strand, the complement: POLR3A is on the minus strand). VCF-style: chr10-77977607-G-C. GRCh37 (hg19) VCF-style: chr10-79737365-G-C.
Other names: short protein forms I1348M.
Identifiers: ClinVar variation 1518292 (VCV001518292.6), dbSNP rs1218624488, ClinGen allele CA377325866.